The following is an entry in ClinVar:

ClinVar aggregate classification (germline): Uncertain significance (1 of 4 stars; one submission).

Submission:

Ambry Genetics
Classification: Uncertain significance. Last evaluated: 2025-05-24. Review status: criteria provided, single submitter. Criteria: Ambry Variant Classification Scheme 2023. Collection method: clinical testing. Allele origin: germline.
Comment: The p.S318P variant (also known as c.952T>C), located in coding exon 1 of the CDK12 gene, results from a T to C substitution at nucleotide position 952. The serine at codon 318 is replaced by proline, an amino acid with similar properties. This amino acid position is conserved. In addition, this alteration is predicted to be tolerated by in silico analysis. Based on the available evidence, the clinical significance of this variant remains unclear.

NM_016507.4(CDK12):c.952T>C (p.Ser318Pro)

Genes: CDK12 (cyclin dependent kinase 12; plus strand), LOC126862553 (CDK7 strongly-dependent group 2 enhancer GRCh37_chr17:37618166-37619365; plus strand). Cytogenetic location: 17q12.
Variant type: single nucleotide variant.
Coding change: c.952T>C on transcript NM_016507.4 (MANE Select); coding-DNA position 952, T replaced by C.
Protein change: p.Ser318Pro; replaces serine 318 with proline.
Molecular consequence: missense variant.
Genome position (GRCh38, 1-based): chr17:39,463,023, T>C. VCF-style: chr17-39463023-T-C. GRCh37 (hg19) VCF-style: chr17-37619276-T-C.
Other names: c.952T>C, p.Ser318Pro (NM_015083.4); short protein forms S318P.
Identifiers: ClinVar variation 3999495 (VCV003999495.1).